The following is an entry in ClinVar:

NM_000465.4(BARD1):c.1788dup (p.Tyr597fs)

Gene: BARD1 (BRCA1 associated RING domain 1; minus strand). Cytogenetic location: 2q35.
Variant type: Duplication.
Coding change: c.1788dup on transcript NM_000465.4 (MANE Select); coding-DNA position 1788, one base duplicated (A; older notation c.1788dupA).
Protein change: p.Tyr597fs; shifts the reading frame from tyrosine 597.
Molecular consequence: frameshift variant. On other transcripts: non-coding transcript variant (3), intron variant (1).
Genome position (GRCh38, 1-based): chr2:214,745,744, T duplicated on the plus strand (A on the coding strand, the reverse complement: BARD1 is on the minus strand); the first of 6 consecutive T bases (chr2:214,745,744-214,745,749); duplicating any one gives the same sequence. VCF-style (leftmost placement, unchanged base first): chr2-214745743-A-AT. GRCh37 (hg19) VCF-style: chr2-215610467-A-AT.
Other names: c.1731dup, p.Tyr578fs (NM_001282543.2); c.435dup, p.Tyr146fs (NM_001282545.2); c.378dup, p.Tyr127fs (NM_001282548.2); c.365-15236dup (NM_001282549.2); c.1788dupA (NM_000465.2); short protein forms Y127fs, Y146fs, Y578fs, Y597fs.
Identifiers: ClinVar variation 2583403 (VCV002583403.6), dbSNP rs1574739005, ClinGen allele CA2582342066.

ClinVar aggregate classification (germline): Pathogenic. Review status: criteria provided, multiple submitters, no conflicts (2 of 4 stars). 3 submissions from 3 submitters: Pathogenic (3). Last evaluated 2024-10-23.

Conditions:
Familial cancer of breast. Also called: Hereditary breast cancer; BREAST CANCER, FAMILIAL; hereditary breast carcinoma. Identifiers: Orphanet 227535, MedGen C0346153, MONDO:0016419, OMIM 114480. Disease mechanism: loss of function.
Hereditary cancer-predisposing syndrome. Also called: Tumor predisposition; Hereditary neoplastic syndrome; Neoplastic Syndromes, Hereditary; Hereditary Cancer Syndrome. Identifiers: Orphanet 140162, MedGen C0027672, MeSH D009386, MONDO:0015356.

Submissions (3):

Ambry Genetics
Classification: Pathogenic for Hereditary cancer-predisposing syndrome. Last evaluated: 2024-10-23. Review status: criteria provided, single submitter. Criteria: Ambry Variant Classification Scheme 2023. Collection method: clinical testing. Allele origin: germline.
Comment: The c.1788dupA pathogenic mutation, located in coding exon 8 of the BARD1 gene, results from a duplication of A at nucleotide position 1788, causing a translational frameshift with a predicted alternate stop codon (p.Y597Ifs*3). This variant is considered to be rare based on population cohorts in the Genome Aggregation Database (gnomAD). This alteration is expected to result in loss of function by premature protein truncation or nonsense-mediated mRNA decay. As such, this alteration is interpreted as a disease-causing mutation.

Labcorp Genetics (formerly Invitae), Labcorp
Classification: Pathogenic for Familial cancer of breast. Last evaluated: 2024-03-18. Review status: criteria provided, single submitter. Criteria: Invitae Variant Classification Sherloc (09022015). Collection method: clinical testing. Allele origin: germline.
Comment: This sequence change creates a premature translational stop signal (p.Tyr597Ilefs*3) in the BARD1 gene. It is expected to result in an absent or disrupted protein product. Loss-of-function variants in BARD1 are known to be pathogenic (PMID: 20077502, 21344236). This variant is not present in population databases (gnomAD no frequency). This variant has not been reported in the literature in individuals affected with BARD1-related conditions. ClinVar contains an entry for this variant (Variation ID: 2583403). For these reasons, this variant has been classified as Pathogenic.

Myriad Genetics, Inc.
Classification: Pathogenic for Familial cancer of breast. Last evaluated: 2023-05-24. Review status: criteria provided, single submitter. Criteria: Myriad Autosomal Dominant, Autosomal Recessive and X-Linked Classification Criteria (2023). Collection method: clinical testing. Allele origin: unknown.
Comment: This variant is considered pathogenic. This variant creates a frameshift predicted to result in premature protein truncation.

Literature cited by the submitters: PubMed 20077502 (cited by Labcorp Genetics (formerly Invitae), Labcorp); PubMed 21344236 (cited by Labcorp Genetics (formerly Invitae), Labcorp).